The following is an entry in ClinVar:

ClinVar aggregate classification (germline): Conflicting classifications of pathogenicity. Review status: criteria provided, conflicting classifications (1 of 4 stars). 2 submissions from 2 submitters: Uncertain significance (1); Likely benign (1). Last evaluated 2025-03-20.

Conditions:
Inborn genetic diseases. Identifiers: MedGen C0950123, MeSH D030342.

gnomAD v4.1: 1 of 1,588,282 alleles (0.000063%); highest among the groups gnomAD compares: South Asian, 0.0011%; no homozygotes.

Submissions (2):

Ambry Genetics
Classification: Likely benign for Inborn genetic diseases. Last evaluated: 2025-03-20. Review status: criteria provided, single submitter. Criteria: Ambry Variant Classification Scheme 2023. Collection method: clinical testing. Allele origin: germline.

GeneDx
Classification: Uncertain significance. Last evaluated: 2024-10-14. Review status: criteria provided, single submitter. Criteria: GeneDx Variant Classification Process June 2021. Collection method: clinical testing. Allele origin: germline. Affected: yes.
Comment: Not observed at significant frequency in large population cohorts (gnomAD); Has not been previously published as pathogenic or benign to our knowledge; In silico analysis suggests this variant may impact gene splicing. In the absence of RNA/functional studies, the actual effect of this sequence change is unknown.

NM_004260.4(RECQL4):c.2436C>T (p.Ala812=)

Gene: RECQL4 (RecQ like helicase 4; minus strand). Cytogenetic location: 8q24.3.
Variant type: single nucleotide variant.
Coding change: c.2436C>T on transcript NM_004260.4 (MANE Select); coding-DNA position 2436, C replaced by T.
Protein change: p.Ala812=; no amino-acid change (alanine 812 retained).
Molecular consequence: synonymous variant. On other transcripts: non-coding transcript variant (3), intron variant (3).
Genome position (GRCh38, 1-based): chr8:144,513,245, G>A on the plus strand (C>T on the coding strand, the complement: RECQL4 is on the minus strand). VCF-style: chr8-144513245-G-A. GRCh37 (hg19) VCF-style: chr8-145738628-G-A.
Other names: c.2436C>T, p.Ala812= (NM_001413019.1, NM_001413036.1); c.2340C>T, p.Ala780= (NM_001413020.1); c.1365C>T, p.Ala455= (NM_001413021.1, NM_001413022.1, NM_001413023.1 and 5 more transcripts); c.2307C>T, p.Ala769= (NM_001413025.1); c.1299C>T, p.Ala433= (NM_001413027.1, NM_001413030.1, NM_001413032.1 and 1 more transcripts); c.2085C>T, p.Ala695= (NM_001413029.1); c.1167C>T, p.Ala389= (NM_001413031.1); c.2304C>T, p.Ala768= (NM_001413033.1); and 7 more.
Identifiers: ClinVar variation 3777542 (VCV003777542.2).
Genomic context (GRCh38, chr8:144,513,245, plus strand): 5'-AGCACTGGCAGTGTGGGGGGGGGGGGTGCCAACCTGGGGCTGCAGGAAGAGGTGGCAGTG[G>A]GCAGGCTGCCCGTCACGCCCGGCCCGGCCCACGGCCTGCACGTAGCTCTCGAAGCTTGGG-3'
Protein context (NP_004251.4, residues 802-822): VGRAGRDGQP[Ala812=]HCHLFLQPQG